The following is an entry in ClinVar:

ClinVar aggregate classification (germline): Uncertain significance. Review status: criteria provided, single submitter (1 of 4 stars). 2 submissions from 2 submitters: Uncertain significance (1). 1 of the submissions does not count toward it. Last evaluated 2022-10-24.

Conditions:
RAI1-related disorder. Also called: RAI1-related condition.

Allele frequency attached by ClinVar (database versions not stated): TOPMed below 0.00001; ExAC 0.00001.
gnomAD v4.1: 2 of 1,614,020 alleles (0.00012%); highest among the groups gnomAD compares: Admixed American, 0.0033%; no homozygotes.

Submissions (2):

GeneDx
Classification: Uncertain significance. Last evaluated: 2022-10-24. Review status: criteria provided, single submitter. Criteria: GeneDx Variant Classification Process June 2021. Collection method: clinical testing. Allele origin: germline. Affected: yes.
Comment: In silico analysis supports that this missense variant has a deleterious effect on protein structure/function; Has not been previously published as pathogenic or benign to our knowledge

PreventionGenetics, part of Exact Sciences
Classification: Uncertain significance for RAI1-related condition. Last evaluated: 2024-02-02. Review status: no assertion criteria provided. Collection method: clinical testing. Allele origin: germline. Not counted in ClinVar's aggregate classification.
Comment: The RAI1 c.1098C>G variant is predicted to result in the amino acid substitution p.Asn366Lys. To our knowledge, this variant has not been reported in the literature. This variant is reported in 0.0058% of alleles in individuals of Latino descent in gnomAD. At this time, the clinical significance of this variant is uncertain due to the absence of conclusive functional and genetic evidence.

NM_030665.4(RAI1):c.1098C>G (p.Asn366Lys)

Gene: RAI1 (retinoic acid induced 1; plus strand). Cytogenetic location: 17p11.2.
Variant type: single nucleotide variant.
Coding change: c.1098C>G on transcript NM_030665.4 (MANE Select); coding-DNA position 1098, C replaced by G.
Protein change: p.Asn366Lys; replaces asparagine 366 with lysine.
Molecular consequence: missense variant.
Genome position (GRCh38, 1-based): chr17:17,794,046, C>G. VCF-style: chr17-17794046-C-G. GRCh37 (hg19) VCF-style: chr17-17697360-C-G.
Other names: short protein forms N366K.
Identifiers: ClinVar variation 2499809 (VCV002499809.3), dbSNP rs764337660, ClinGen allele CA8418269.